The following is an entry in ClinVar:

NM_001220.5(CAMK2B):c.1483del (p.Asp495fs)

Gene: CAMK2B (calcium/calmodulin dependent protein kinase II beta; minus strand). Cytogenetic location: 7p13.
Variant type: Deletion.
Coding change: c.1483del on transcript NM_001220.5 (MANE Select); coding-DNA position 1483, one base deleted (G; older notation c.1483delG).
Protein change: p.Asp495fs; shifts the reading frame from aspartic acid 495.
Molecular consequence: frameshift variant. On other transcripts: intron variant (8).
Genome position (GRCh38, 1-based): chr7:44,226,630, C deleted on the plus strand (G on the coding strand, the reverse complement: CAMK2B is on the minus strand). VCF-style (leftmost placement, unchanged base first): chr7-44226629-TC-T. GRCh37 (hg19) VCF-style: chr7-44266228-TC-T.
Other names: c.947-5729del (NM_172084.3); c.1150+4376del (NM_172080.3); c.1036+4376del (NM_172083.3); c.1108+4376del (NM_172081.3); c.1153+4376del (NM_172079.3, NM_172082.3); c.1225+4376del (NM_001293170.2, NM_172078.3); short protein forms D495fs.
Identifiers: ClinVar variation 2041807 (VCV002041807.4), dbSNP rs2485061568, ClinGen allele CA2580077142.

ClinVar aggregate classification (germline): Uncertain significance (1 of 4 stars; one submission).

Submission:

Labcorp Genetics (formerly Invitae), Labcorp
Classification: Uncertain significance. Last evaluated: 2022-07-06. Review status: criteria provided, single submitter. Criteria: Invitae Variant Classification Sherloc (09022015). Collection method: clinical testing. Allele origin: germline.
Comment: In summary, the available evidence is currently insufficient to determine the role of this variant in disease. Therefore, it has been classified as a Variant of Uncertain Significance. This variant has not been reported in the literature in individuals affected with CAMK2B-related conditions. This variant is not present in population databases (gnomAD no frequency). This sequence change creates a premature translational stop signal (p.Asp495Thrfs*3) in the CAMK2B gene. It is expected to result in an absent or disrupted protein product. However, the current clinical and genetic evidence is not sufficient to establish whether loss-of-function variants in CAMK2B cause disease.